The following is an entry in ClinVar:

ClinVar aggregate classification (germline): Uncertain significance (1 of 4 stars; one submission).

Conditions:
Acute myeloid leukemia (AML). Also called: Acute myeloid leukemia, adult; AML adult; Acute non-lymphocytic leukemia; Acute granulocytic leukemia; Leukemia, acute myelogenous, somatic; Leukemia, acute myeloid, somatic. Identifiers: Orphanet 519, MedGen C0023467, MeSH D015470, MONDO:0018874, OMIM 601626, HP:0004808. Disease mechanism: Constitutively activated FLT3.

Submission:

Labcorp Genetics (formerly Invitae), Labcorp
Classification: Uncertain significance for Acute myeloid leukemia. Last evaluated: 2024-04-08. Review status: criteria provided, single submitter. Criteria: Invitae Variant Classification Sherloc (09022015). Collection method: clinical testing. Allele origin: germline.
Comment: This variant, c.555_566del, results in the deletion of 4 amino acid(s) of the CEBPA protein (p.Pro186_Pro189del), but otherwise preserves the integrity of the reading frame. The frequency data for this variant in the population databases is considered unreliable, as metrics indicate poor data quality at this position in the gnomAD database. This variant has not been reported in the literature in individuals affected with CEBPA-related conditions. ClinVar contains an entry for this variant (Variation ID: 960877). Experimental studies and prediction algorithms are not available or were not evaluated, and the functional significance of this variant is currently unknown. In summary, the available evidence is currently insufficient to determine the role of this variant in disease. Therefore, it has been classified as a Variant of Uncertain Significance.

NM_004364.5(CEBPA):c.546GCC[3] (p.Pro186_Pro189del)

Gene: CEBPA (CCAAT enhancer binding protein alpha; minus strand). Cytogenetic location: 19q13.11.
Variant type: Microsatellite.
Coding change: c.546GCC[3] on transcript NM_004364.5 (MANE Select); three copies in a row of the 3-base unit GCC starting at c.546; the reference has seven copies in a row; four copies, 12 bases deleted.
Protein change: p.Pro186_Pro189del.
Molecular consequence: inframe deletion.
Genome position (GRCh38, 1-based): chr19:33,301,849-33,301,860, GGCGGCGGCGGC deleted on the plus strand (GCCGCCGCCGCC on the coding strand, the reverse complement: CEBPA is on the minus strand); deleting any 12 consecutive bases within chr19:33,301,849-33,301,869 gives the same sequence; the position shown is the placement nearest the transcript's 3' end. VCF-style (leftmost placement, unchanged base first): chr19-33301848-GGGCGGCGGCGGC-G. GRCh37 (hg19) VCF-style: chr19-33792754-GGGCGGCGGCGGC-G.
Other names: c.189GCC[3], p.Pro67_Pro70del (NM_001285829.2); c.651GCC[3], p.Pro221_Pro224del (NM_001287424.2); c.504GCC[3], p.Pro172_Pro175del (NM_001287435.2).
Identifiers: ClinVar variation 960877 (VCV000960877.11), dbSNP rs746430067, ClinGen allele CA9363708.